The following is an entry in ClinVar:

ClinVar aggregate classification (germline): Likely benign. Review status: criteria provided, multiple submitters, no conflicts (2 of 4 stars). 3 submissions from 3 submitters: Likely benign (3). Last evaluated 2026-02-01.

gnomAD v4.1: 6 of 1,414,044 alleles (0.00042%); highest among the groups gnomAD compares: African/African-American, 0.0045%; no homozygotes.

Submissions (3):

CeGaT Center for Human Genetics Tuebingen
Classification: Likely benign. Last evaluated: 2026-02-01. Review status: criteria provided, single submitter. Criteria: CeGaT Center For Human Genetics Tuebingen Variant Classification Criteria Version 2. Collection method: clinical testing. Allele origin: germline. Affected: yes. Observed: 1 variant allele.
Comment: DEAF1: BP4, BP7

Labcorp Genetics (formerly Invitae), Labcorp
Classification: Likely benign. Last evaluated: 2025-03-27. Review status: criteria provided, single submitter. Criteria: Invitae Variant Classification Sherloc (09022015). Collection method: clinical testing. Allele origin: germline.

Blueprint Genetics
Classification: Likely benign. Last evaluated: 2021-03-31. Review status: criteria provided, single submitter. Criteria: ACMG Guidelines, 2015. Collection method: clinical testing. Allele origin: germline.

NM_021008.4(DEAF1):c.21G>A (p.Ala7=)

Gene: DEAF1 (DEAF1 transcription factor; minus strand). Cytogenetic location: 11p15.5.
Variant type: single nucleotide variant.
Coding change: c.21G>A on transcript NM_021008.4 (MANE Select); coding-DNA position 21, G replaced by A.
Protein change: p.Ala7=; no amino-acid change (alanine 7 retained).
Molecular consequence: synonymous variant. On other transcripts: intron variant (1).
Genome position (GRCh38, 1-based): chr11:695,027, C>T on the plus strand (G>A on the coding strand, the complement: DEAF1 is on the minus strand). VCF-style: chr11-695027-C-T. GRCh37 (hg19) VCF-style: chr11-695027-C-T.
Other names: c.21G>A, p.Ala7= (NM_001293634.2); c.-437-3429G>A (NM_001367390.1).
Identifiers: ClinVar variation 2169562 (VCV002169562.9), dbSNP rs1243695617, ClinGen allele CA472334820.